The following is an entry in ClinVar:

NM_001365536.1(SCN9A):c.4444_4446del (p.Tyr1482del)

Genes: SCN1A-AS1 (SCN1A and SCN9A antisense RNA 1; plus strand), SCN9A (sodium voltage-gated channel alpha subunit 9; minus strand). Cytogenetic location: 2q24.3.
Variant type: Deletion.
Coding change: c.4444_4446del on transcript NM_001365536.1 (MANE Select); coding-DNA positions 4444 to 4446, 3 bases deleted (TAT; older notation c.4444_4446delTAT).
Protein change: p.Tyr1482del; deletes tyrosine 1482.
Molecular consequence: inframe deletion. On other transcripts: inframe indel (1).
Genome position (GRCh38, 1-based): chr2:166,204,417-166,204,419, ATA deleted on the plus strand (TAT on the coding strand, the reverse complement: SCN9A is on the minus strand). VCF-style (leftmost placement, unchanged base first): chr2-166204416-TATA-T. GRCh37 (hg19) VCF-style: chr2-167060926-TATA-T.
Other names: c.4411_4413delTAT, p.Tyr1471del (NM_002977.4); short protein forms Y1471del, Y1482del.
Identifiers: ClinVar variation 853573 (VCV000853573.10), dbSNP rs752874418, ClinGen allele CA1943868.

ClinVar aggregate classification (germline): Uncertain significance (1 of 4 stars; one submission).

Conditions:
Generalized epilepsy with febrile seizures plus, type 7 (GEFSP7). Also called: GEFS+, TYPE 7. Identifiers: Orphanet 36387, MedGen C2751778, MONDO:0013470, OMIM 613863.
Neuropathy, hereditary sensory and autonomic, type 2A (HSAN2A). Also called: MORVAN DISEASE; NEUROPATHY, CONGENITAL SENSORY; NEUROPATHY, HEREDITARY SENSORY RADICULAR, AUTOSOMAL RECESSIVE; NEUROPATHY, HEREDITARY SENSORY, TYPE IIA; NEUROPATHY, PROGRESSIVE SENSORY, OF CHILDREN; WNK1-Related HSAN2 (HSAN2A). Identifiers: Orphanet 970, MedGen C2752089, MONDO:0024309, OMIM 201300.

Allele frequency attached by ClinVar (database versions not stated): gnomAD exomes below 0.00001 and 0.00001; ExAC 0.00001.

Submission:

Labcorp Genetics (formerly Invitae), Labcorp
Classification: Uncertain significance for Neuropathy, hereditary sensory and autonomic, type 2A; Generalized epilepsy with febrile seizures plus, type 7. Last evaluated: 2019-12-30. Review status: criteria provided, single submitter. Criteria: Invitae Variant Classification Sherloc (09022015). Collection method: clinical testing. Allele origin: germline.
Comment: This variant, c.4411_4413del, results in the deletion of 1 amino acid(s) of the SCN9A protein (p.Tyr1471del), but otherwise preserves the integrity of the reading frame. This variant is present in population databases (rs752874418, ExAC 0.002%). This variant has not been reported in the literature in individuals with SCN9A-related conditions. Experimental studies and prediction algorithms are not available or were not evaluated, and the functional significance of this variant is currently unknown. In summary, the available evidence is currently insufficient to determine the role of this variant in disease. Therefore, it has been classified as a Variant of Uncertain Significance.